The following is an entry in ClinVar:

NM_001018005.2(TPM1):c.663T>A (p.Tyr221Ter)

Gene: TPM1 (tropomyosin 1; plus strand). Cytogenetic location: 15q22.2.
Variant type: single nucleotide variant.
Coding change: c.663T>A on transcript NM_001018005.2 (MANE Select); coding-DNA position 663, T replaced by A.
Protein change: p.Tyr221Ter; replaces tyrosine 221 with a stop codon.
Molecular consequence: nonsense. On other transcripts: non-coding transcript variant (17).
Genome position (GRCh38, 1-based): chr15:63,062,238, T>A. VCF-style: chr15-63062238-T-A. GRCh37 (hg19) VCF-style: chr15-63354437-T-A.
Other names: c.555T>A, p.Tyr185Ter (NM_001407344.1, NM_001018008.2, NM_001301289.2 and 9 more transcripts); c.663T>A, p.Tyr221Ter (NM_000366.6, NM_001018004.2, NM_001018006.2 and 20 more transcripts); c.789T>A, p.Tyr263Ter (NM_001407323.1, NM_001407324.1, NM_001365778.1 and 1 more transcripts); short protein forms Y185*, Y221*, Y263*.
Identifiers: ClinVar variation 3386135 (VCV003386135.1).

ClinVar aggregate classification (germline): Uncertain significance (1 of 4 stars; one submission).

Conditions:
Hypertrophic cardiomyopathy. Also called: HYPERTROPHIC MYOCARDIOPATHY. Identifiers: Orphanet 217569, MedGen C0007194, MeSH D002312, MONDO:0005045, HP:0001639.

gnomAD v4.1: 2 of 1,614,116 alleles (0.00012%); highest among the groups gnomAD compares: Non-Finnish European, 0.00017%; no homozygotes.

Submission:

All of Us Research Program, National Institutes of Health
Classification: Uncertain significance for Hypertrophic cardiomyopathy. Last evaluated: 2024-07-20. Review status: criteria provided, single submitter. Criteria: ACMG Guidelines, 2015. Collection method: clinical testing. Allele origin: germline. Inheritance: Autosomal dominant inheritance. Observed: 1 variant allele, 1 heterozygote.
Comment: This variant changes 1 nucleotide in exon 7 of the TPM1 gene, creating a premature translation stop signal. This variant is expected to result in an absent or non-functional protein product. To our knowledge, this variant has not been reported in individuals affected with TPM1-related disorders in the literature. This variant has been identified in 1/251354 chromosomes in the general population by the Genome Aggregation Database (gnomAD). Clinical relevance of loss-of-function TPM1 truncation variants in autosomal dominant cardiovascular disorders is not clearly established. The available evidence is insufficient to determine the role of this variant in disease conclusively. Therefore, this variant is classified as a Variant of Uncertain Significance.

This study involves interpretation of variants in research participants for the purpose of population health screening. Participant phenotype was not available at the time of variant classification. Additional details can be found in publication PMID: 35346344, PMCID: PMC8962531